The following is an entry in ClinVar:

ClinVar aggregate classification (germline): Uncertain significance (1 of 4 stars; one submission).

Conditions:
Hereditary cancer-predisposing syndrome. Also called: Neoplastic Syndromes, Hereditary; Tumor predisposition; Hereditary Cancer Syndrome; Hereditary neoplastic syndrome. Identifiers: Orphanet 140162, MedGen C0027672, MeSH D009386, MONDO:0015356.

Submission:

Ambry Genetics
Classification: Uncertain significance for Hereditary cancer-predisposing syndrome. Last evaluated: 2026-05-22. Review status: criteria provided, single submitter. Criteria: Ambry Variant Classification Scheme 2023. Collection method: clinical testing. Allele origin: germline.
Comment: The c.32_40dupCGCTGCTGC variant (also known as p.P11_L13dup), located in coding exon 1 of the ALK gene, results from an in-frame duplication of CGCTGCTGC at nucleotide positions 32 to 40. This results in the duplication of 3 extra residues (PLL) between codons 11 and 13. This amino acid region is well conserved in available vertebrate species. In addition, this variant is predicted to be neutral by in silico analysis (Choi Y et al. PLoS ONE. 2012; 7(10):e46688). Based on the available evidence, the clinical significance of this variant remains unclear.

NM_004304.5(ALK):c.32_40dup (p.Leu13_Leu14insProLeuLeu)

Gene: ALK (ALK receptor tyrosine kinase; minus strand). Cytogenetic location: 2p23.1.
Variant type: Duplication.
Coding change: c.32_40dup on transcript NM_004304.5 (MANE Select); coding-DNA positions 32 to 40, 9 bases duplicated (CGCTGCTGC; older notation c.32_40dupCGCTGCTGC).
Protein change: p.Leu13_Leu14insProLeuLeu.
Molecular consequence: inframe insertion.
Genome position (GRCh38, 1-based): chr2:29,920,620-29,920,628, GCAGCAGCG duplicated on the plus strand (CGCTGCTGC on the coding strand, the reverse complement: ALK is on the minus strand); duplicating any 9 consecutive bases within chr2:29,920,620-29,920,632 gives the same sequence; the c. name uses the placement nearest the transcript's 3' end. VCF-style (leftmost placement, unchanged base first): chr2-29920619-A-AGCAGCAGCG. GRCh37 (hg19) VCF-style: chr2-30143485-A-AGCAGCAGCG.
Identifiers: ClinVar variation 4870404 (VCV004870404.1).
Genomic context (GRCh38, chr2:29,920,619, plus strand): 5'-GCAGCTGGGGAGCCCGCGCGCTGGCCGGTCCCCATCCCGGAGCCCACAGCTGCCGTGGAA[A>AGCAGCAGCG]GCAGCAGCGGCAGGAGCCACAGGAGCCCGATGGCTCCCATCCCGCCGGAGGAGGCCGTTT-3'